The following is an entry in ClinVar:

ClinVar aggregate classification (germline): Likely pathogenic (1 of 4 stars; one submission).

Conditions:
Bartter disease type 1. Also called: HYPERPROSTAGLANDIN E SYNDROME 1; HYPOKALEMIC ALKALOSIS WITH HYPERCALCIURIA 1, ANTENATAL; Bartter syndrome, type 1, antenatal; Bartter Syndrome type 1. Identifiers: Orphanet 112, Orphanet 620217, MedGen C1866495, MONDO:0100344, OMIM 601678, MONDO:0011127.

Submission:

3billion
Classification: Likely pathogenic for Bartter disease type 1. Last evaluated: 2024-06-14. Review status: criteria provided, single submitter. Criteria: ACMG Guidelines, 2015. Collection method: clinical testing. Allele origin: germline. Affected: yes.
Comment: The variant is not observed in the gnomAD v4.0.0 dataset. Predicted Consequence/Location: Frameshift: predicted to result in a loss or disruption of normal protein function through nonsense-mediated decay (NMD) or protein truncation. Multiple pathogenic variants are reported downstream of the variant. Therefore, this variant is classified as Likely pathogenic according to the recommendation of ACMG/AMP guideline.

NM_000338.3(SLC12A1):c.1920_1921dup (p.Tyr641fs)

Genes: SLC12A1 (solute carrier family 12 member 1; plus strand), LOC126862123 (CDK7 strongly-dependent group 2 enhancer GRCh37_chr15:48543423-48544622; plus strand). Cytogenetic location: 15q21.1.
Variant type: Duplication.
Coding change: c.1920_1921dup on transcript NM_000338.3 (MANE Select); coding-DNA positions 1920 to 1921, 2 bases duplicated (CT; older notation c.1920_1921dupCT).
Protein change: p.Tyr641fs; shifts the reading frame from tyrosine 641.
Molecular consequence: frameshift variant.
Genome position (GRCh38, 1-based): chr15:48,251,748-48,251,749, CT duplicated; duplicating any 2 consecutive bases within chr15:48,251,747-48,251,749 gives the same sequence; the c. name uses the placement nearest the transcript's 3' end. VCF-style (leftmost placement, unchanged base first): chr15-48251746-G-GTC. GRCh37 (hg19) VCF-style: chr15-48543943-G-GTC.
Other names: c.1920_1921dup, p.Tyr641fs (NM_001184832.2, NM_001384136.1); short protein forms Y641fs.
Identifiers: ClinVar variation 4293862 (VCV004293862.1).